The following is an entry in ClinVar:

ClinVar aggregate classification (germline): Pathogenic (1 of 4 stars; one submission).

Conditions:
Hereditary hemorrhagic telangiectasia (HHT). Also called: ORW DISEASE; Osler Weber Rendu syndrome; OSLER-RENDU-WEBER DISEASE; Osler hemorrhagic telangiectasia syndrome. Identifiers: Orphanet 774, MedGen C0039445, MONDO:0019180. Disease mechanism: loss of function.

Submission:

Labcorp Genetics (formerly Invitae), Labcorp
Classification: Pathogenic for Hereditary hemorrhagic telangiectasia. Last evaluated: 2022-11-21. Review status: criteria provided, single submitter. Criteria: Invitae Variant Classification Sherloc (09022015). Collection method: clinical testing. Allele origin: unknown.
Comment: For these reasons, this variant has been classified as Pathogenic. This variant is also known as g.IVS4?___IVS5? (c.524___689del). A similar copy number variant has been observed in individual(s) with hereditary hemorrhagic telangiectasia (PMID: 12673790, 21158752). This variant is a gross deletion of the genomic region encompassing exon(s) 5 of the ENG gene. This deletion is out-of-frame, and is expected to create a premature termination codon and result in an absent or disrupted protein product. Loss-of-function variants in ENG are known to be pathogenic (PMID: 15879500).

Literature cited by the submitters: PubMed 12673790; PubMed 21158752; PubMed 15879500.

NC_000009.11:g.(?_130587966)_(130588153_?)del

Gene: ENG (endoglin; minus strand). Cytogenetic location: 9q34.11.
Variant type: Deletion.
Identifiers: ClinVar variation 3245078 (VCV003245078.1).